The following is an entry in ClinVar:

NM_006005.3(WFS1):c.2113A>G (p.Lys705Glu)

Gene: WFS1 (wolframin ER transmembrane glycoprotein; plus strand). Cytogenetic location: 4p16.1.
Variant type: single nucleotide variant.
Coding change: c.2113A>G on transcript NM_006005.3 (MANE Select); coding-DNA position 2113, A replaced by G.
Protein change: p.Lys705Glu; replaces lysine 705 with glutamic acid.
Molecular consequence: missense variant.
Genome position (GRCh38, 1-based): chr4:6,301,908, A>G. VCF-style: chr4-6301908-A-G. GRCh37 (hg19) VCF-style: chr4-6303635-A-G.
Other names: c.2113A>G, p.Lys705Glu (NM_001145853.1); short protein forms K705E.
Identifiers: ClinVar variation 1685475 (VCV001685475.2), dbSNP rs2109127017, ClinGen allele CA356177753.

ClinVar aggregate classification (germline): Conflicting classifications of pathogenicity. Review status: criteria provided, conflicting classifications (1 of 4 stars). 2 submissions from 2 submitters: Likely pathogenic (1); Uncertain significance (1). Last evaluated 2024-02-26.

Conditions:
Cataract 41 (CTRCT41). Also called: CATARACT 41, CONGENITAL NUCLEAR TYPE. Identifiers: Orphanet 91492, Orphanet 98991, Orphanet 98992, Orphanet 98995, MedGen C3805412, MONDO:0007287, OMIM 116400.

Submissions (2):

GeneDx
Classification: Uncertain significance. Last evaluated: 2024-02-26. Review status: criteria provided, single submitter. Criteria: GeneDx Variant Classification Process June 2021. Collection method: clinical testing. Allele origin: germline. Affected: yes.
Comment: Not observed at significant frequency in large population cohorts (gnomAD); In silico analysis supports that this missense variant does not alter protein structure/function; Has not been previously published as pathogenic or benign to our knowledge

Mendelics
Classification: Likely pathogenic for Cataract 41. Last evaluated: 2022-05-04. Review status: criteria provided, single submitter. Criteria: Mendelics Assertion Criteria 2019. Collection method: clinical testing. Allele origin: germline.